The following is an entry in ClinVar:

NM_017838.4(NHP2):c.270A>G (p.Val90=)

Gene: NHP2 (NHP2 ribonucleoprotein; minus strand). Cytogenetic location: 5q35.3.
Variant type: single nucleotide variant.
Coding change: c.270A>G on transcript NM_017838.4 (MANE Select); coding-DNA position 270, A replaced by G.
Protein change: p.Val90=; no amino-acid change (valine 90 retained).
Molecular consequence: synonymous variant. On other transcripts: intron variant (1).
Genome position (GRCh38, 1-based): chr5:178,150,954, T>C on the plus strand (A>G on the coding strand, the complement: NHP2 is on the minus strand). VCF-style: chr5-178150954-T-C. GRCh37 (hg19) VCF-style: chr5-177577955-T-C.
Other names: p.Val90=; c.231-1116A>G (NM_001034833.2).
Identifiers: ClinVar variation 241212 (VCV000241212.17), dbSNP rs148179279, ClinGen allele CA3589191.

ClinVar aggregate classification (germline): Conflicting classifications of pathogenicity. Review status: criteria provided, conflicting classifications (1 of 4 stars). 5 submissions from 5 submitters: Uncertain significance (1); Benign (1); Likely benign (3). Last evaluated 2026-01-19.

Conditions:
Dyskeratosis congenita. Identifiers: Orphanet 1775, MedGen C0265965, MONDO:0015780.

Allele frequency attached by ClinVar (database versions not stated): gnomAD exomes 0.00010 and 0.00034; ExAC 0.00033; 1000 Genomes Project 0.00080; gnomAD 0.00113 and 0.00121; TOPMed 0.00123; 1000 Genomes Project 30x 0.00141; ESP Exome Variant Server 0.00146.

Submissions (5):

Labcorp Genetics (formerly Invitae), Labcorp
Classification: Benign for Dyskeratosis congenita. Last evaluated: 2026-01-19. Review status: criteria provided, single submitter. Criteria: Invitae Variant Classification Sherloc (09022015). Collection method: clinical testing. Allele origin: germline.

Mayo Clinic Laboratories, Mayo Clinic
Classification: Likely benign. Last evaluated: 2025-09-19. Review status: criteria provided, single submitter. Criteria: ACMG Guidelines, 2015. Collection method: clinical testing. Allele origin: germline. Observed: 1 variant allele.
Comment: BP4, BP7

Blueprint Genetics
Classification: Likely benign. Last evaluated: 2024-11-14. Review status: criteria provided, single submitter. Criteria: ACMG Guidelines, 2015. Collection method: clinical testing. Allele origin: germline.

Sema4
Classification: Likely benign for Dyskeratosis congenita. Last evaluated: 2021-01-26. Review status: criteria provided, single submitter. Criteria: Sema4 Curation Guidelines. Collection method: curation. Allele origin: germline.

Genetic Services Laboratory, University of Chicago
Classification: Uncertain significance. Last evaluated: 2019-05-09. Review status: criteria provided, single submitter. Criteria: ACMG Guidelines, 2015. Collection method: clinical testing. Allele origin: germline. Affected: no.